The following is an entry in ClinVar:

ClinVar aggregate classification (germline): Uncertain significance (1 of 4 stars; one submission).

Conditions:
Brown-Vialetto-van Laere syndrome 1. Also called: BROWN-VIALETTO-VAN LAERE SYNDROME 1, MILD; PONTOBULBAR PALSY WITH DEAFNESS; BULBAR PALSY, PROGRESSIVE, WITH SENSORINEURAL DEAFNESS. Identifiers: Orphanet 572550, Orphanet 97229, MedGen C0796274, MONDO:0024537, OMIM 211530.

Allele frequency attached by ClinVar (database versions not stated): TOPMed below 0.00001; gnomAD 0.00001.
gnomAD v4.1: 10 of 1,586,574 alleles (0.00063%); highest among the groups gnomAD compares: African/African-American, 0.0027%; no homozygotes.

Submission:

Labcorp Genetics (formerly Invitae), Labcorp
Classification: Uncertain significance for Brown-Vialetto-van Laere syndrome 1. Last evaluated: 2025-08-04. Review status: criteria provided, single submitter. Criteria: Invitae Variant Classification Sherloc (09022015). Collection method: clinical testing. Allele origin: germline.
Comment: This sequence change replaces phenylalanine, which is neutral and non-polar, with cysteine, which is neutral and slightly polar, at codon 91 of the SLC52A3 protein (p.Phe91Cys). This variant is present in population databases (no rsID available, gnomAD 0.01%). This variant has not been reported in the literature in individuals affected with SLC52A3-related conditions. ClinVar contains an entry for this variant (Variation ID: 569011). Invitae Evidence Modeling of protein sequence and biophysical properties (such as structural, functional, and spatial information, amino acid conservation, physicochemical variation, residue mobility, and thermodynamic stability) indicates that this missense variant is expected to disrupt SLC52A3 protein function with a positive predictive value of 95%. In summary, the available evidence is currently insufficient to determine the role of this variant in disease. Therefore, it has been classified as a Variant of Uncertain Significance.

NM_033409.4(SLC52A3):c.272T>G (p.Phe91Cys)

Gene: SLC52A3 (solute carrier family 52 member 3; minus strand). Cytogenetic location: 20p13.
Variant type: single nucleotide variant.
Coding change: c.272T>G on transcript NM_033409.4 (MANE Select); coding-DNA position 272, T replaced by G.
Protein change: p.Phe91Cys; replaces phenylalanine 91 with cysteine.
Molecular consequence: missense variant.
Genome position (GRCh38, 1-based): chr20:765,503, A>C on the plus strand (T>G on the coding strand, the complement: SLC52A3 is on the minus strand). VCF-style: chr20-765503-A-C. GRCh37 (hg19) VCF-style: chr20-746147-A-C.
Other names: c.272T>G, p.Phe91Cys (NM_001370085.1, NM_001370086.1); short protein forms F91C.
Identifiers: ClinVar variation 569011 (VCV000569011.5), dbSNP rs1481097414, ClinGen allele CA407964193.
Genomic context (GRCh38, chr20:765,503, plus strand): 5'-AGGACCAAGAAGGCGATGCTGTGGTGGCCGTCCAGCACCCAGGAGGTCATATTCCAGAGG[A>C]AGGCAAAGATGATGCAGGTGACGGTTCCCACGCCCAGCAGGGTGAAGATGATGGGCACTT-3'
Protein context (NP_212134.3, residues 81-101): VGTVTCIIFA[Phe91Cys]LWNMTSWVLD